The following is an entry in ClinVar:

ClinVar aggregate classification (germline): Uncertain significance. Review status: criteria provided, single submitter (1 of 4 stars). 2 submissions from 2 submitters: Uncertain significance (1). 1 of the submissions does not count toward it. Last evaluated 2025-05-06.

Conditions:
CTNNA1-related disorder. Also called: CTNNA1-related condition.

Submissions (2):

Labcorp Genetics (formerly Invitae), Labcorp
Classification: Uncertain significance. Last evaluated: 2025-05-06. Review status: criteria provided, single submitter. Criteria: Invitae Variant Classification Sherloc (09022015). Collection method: clinical testing. Allele origin: germline.
Comment: This sequence change replaces alanine, which is neutral and non-polar, with valine, which is neutral and non-polar, at codon 128 of the CTNNA1 protein (p.Ala128Val). This variant is not present in population databases (gnomAD no frequency). This variant has not been reported in the literature in individuals affected with CTNNA1-related conditions. ClinVar contains an entry for this variant (Variation ID: 2129171). Invitae Evidence Modeling of protein sequence and biophysical properties (such as structural, functional, and spatial information, amino acid conservation, physicochemical variation, residue mobility, and thermodynamic stability) indicates that this missense variant is not expected to disrupt CTNNA1 protein function with a negative predictive value of 80%. In summary, the available evidence is currently insufficient to determine the role of this variant in disease. Therefore, it has been classified as a Variant of Uncertain Significance.

PreventionGenetics, part of Exact Sciences
Classification: Uncertain significance for CTNNA1-related condition. Last evaluated: 2024-05-02. Review status: no assertion criteria provided. Collection method: clinical testing. Allele origin: germline. Not counted in ClinVar's aggregate classification.
Comment: The CTNNA1 c.383C>T variant is predicted to result in the amino acid substitution p.Ala128Val. To our knowledge, this variant has not been reported in the literature or in a large population database, indicating this variant is rare. At this time, the clinical significance of this variant is uncertain due to the absence of conclusive functional and genetic evidence.

NM_001903.5(CTNNA1):c.383C>T (p.Ala128Val)

Gene: CTNNA1 (catenin alpha 1; plus strand). Cytogenetic location: 5q31.2.
Variant type: single nucleotide variant.
Coding change: c.383C>T on transcript NM_001903.5 (MANE Select); coding-DNA position 383, C replaced by T.
Protein change: p.Ala128Val; replaces alanine 128 with valine.
Molecular consequence: missense variant.
Genome position (GRCh38, 1-based): chr5:138,810,119, C>T. VCF-style: chr5-138810119-C-T. GRCh37 (hg19) VCF-style: chr5-138145808-C-T.
Other names: c.383C>T (NM_001903.4); c.383C>T, p.Ala128Val (NM_001290307.3, NM_001323982.2, NM_001323983.1 and 3 more transcripts); c.74C>T, p.Ala25Val (NM_001290309.3); c.14C>T, p.Ala5Val (NM_001290310.3); short protein forms A128V, A5V, A25V.
Identifiers: ClinVar variation 2129171 (VCV002129171.5), dbSNP rs2532330280, ClinGen allele CA361123149.